The following is an entry in ClinVar:

NM_052813.5(CARD9):c.944G>A (p.Arg315His)

Gene: CARD9 (caspase recruitment domain family member 9; minus strand). Cytogenetic location: 9q34.3.
Variant type: single nucleotide variant.
Coding change: c.944G>A on transcript NM_052813.5 (MANE Select); coding-DNA position 944, G replaced by A.
Protein change: p.Arg315His; replaces arginine 315 with histidine.
Molecular consequence: missense variant.
Genome position (GRCh38, 1-based): chr9:136,370,301, C>T on the plus strand (G>A on the coding strand, the complement: CARD9 is on the minus strand). VCF-style: chr9-136370301-C-T. GRCh37 (hg19) VCF-style: chr9-139264753-C-T.
Other names: c.944G>A, p.Arg315His (NM_052814.4); short protein forms R315H.
Identifiers: ClinVar variation 1400142 (VCV001400142.5), dbSNP rs141105175, ClinGen allele CA5332928.

ClinVar aggregate classification (germline): Uncertain significance. Review status: criteria provided, multiple submitters, no conflicts (2 of 4 stars). 2 submissions from 2 submitters: Uncertain significance (2). Last evaluated 2023-08-30.

Conditions:
Predisposition to invasive fungal disease due to CARD9 deficiency (IMD103). Also called: CARD9 IMMUNODEFICIENCY; Candidiasis, familial, 2, autosomal recessive; IMMUNODEFICIENCY 103, SUSCEPTIBILITY TO FUNGAL INFECTIONS. Identifiers: Orphanet 457088, MedGen C1859353, MONDO:0008905, OMIM 212050.

Allele frequency attached by ClinVar (database versions not stated): ESP Exome Variant Server 0.00031.
gnomAD v4.1: 44 of 1,602,156 alleles (0.0027%); highest among the groups gnomAD compares: Non-Finnish European, 0.0034%; no homozygotes.

Submissions (2):

Labcorp Genetics (formerly Invitae), Labcorp
Classification: Uncertain significance for Predisposition to invasive fungal disease due to CARD9 deficiency. Last evaluated: 2023-08-30. Review status: criteria provided, single submitter. Criteria: Invitae Variant Classification Sherloc (09022015). Collection method: clinical testing. Allele origin: germline.
Comment: In summary, the available evidence is currently insufficient to determine the role of this variant in disease. Therefore, it has been classified as a Variant of Uncertain Significance. This sequence change replaces arginine, which is basic and polar, with histidine, which is basic and polar, at codon 315 of the CARD9 protein (p.Arg315His). The frequency data for this variant in the population databases is considered unreliable, as metrics indicate poor data quality at this position in the gnomAD database. This missense change has been observed in individual(s) with pulmonary nontuberculous mycobacterial Infection (PMID: 26038974). ClinVar contains an entry for this variant (Variation ID: 1400142). Advanced modeling of protein sequence and biophysical properties (such as structural, functional, and spatial information, amino acid conservation, physicochemical variation, residue mobility, and thermodynamic stability) performed at Invitae indicates that this missense variant is not expected to disrupt CARD9 protein function.

Fulgent Genetics
Classification: Uncertain significance for Predisposition to invasive fungal disease due to CARD9 deficiency. Last evaluated: 2022-04-21. Review status: criteria provided, single submitter. Criteria: ACMG Guidelines, 2015. Collection method: clinical testing. Allele origin: unknown.

Literature cited by the submitters: PubMed 26038974 (cited by Labcorp Genetics (formerly Invitae), Labcorp).